The following is an entry in ClinVar:

ClinVar aggregate classification (germline): Conflicting classifications of pathogenicity. Review status: criteria provided, conflicting classifications (1 of 4 stars). 2 submissions from 2 submitters: Uncertain significance (1); Likely benign (1). Last evaluated 2025-03-31.

Conditions:
Inborn genetic diseases. Identifiers: MedGen C0950123, MeSH D030342.
Mosaic variegated aneuploidy syndrome 1 (MVA1). Also called: Warburton-Anyane-Yeboa syndrome. Identifiers: Orphanet 1052, MedGen C1850343, MONDO:0009759, OMIM 257300.

Allele frequency attached by ClinVar (database versions not stated): gnomAD exomes below 0.00001 and 0.00001; gnomAD 0.00001; ExAC 0.00002; TOPMed 0.00002.
gnomAD v4.1: 4 of 1,614,080 alleles (0.00025%); highest among the groups gnomAD compares: African/African-American, 0.0027%; no homozygotes.

Submissions (2):

Ambry Genetics
Classification: Likely benign for Inborn genetic diseases. Last evaluated: 2025-03-31. Review status: criteria provided, single submitter. Criteria: Ambry Variant Classification Scheme 2023. Collection method: clinical testing. Allele origin: germline.

Labcorp Genetics (formerly Invitae), Labcorp
Classification: Uncertain significance for Mosaic variegated aneuploidy syndrome 1. Last evaluated: 2024-04-24. Review status: criteria provided, single submitter. Criteria: Invitae Variant Classification Sherloc (09022015). Collection method: clinical testing. Allele origin: germline.
Comment: This sequence change replaces isoleucine, which is neutral and non-polar, with valine, which is neutral and non-polar, at codon 745 of the BUB1B protein (p.Ile745Val). This variant is present in population databases (rs763676435, gnomAD 0.01%). This variant has not been reported in the literature in individuals affected with BUB1B-related conditions. ClinVar contains an entry for this variant (Variation ID: 937883). Algorithms developed to predict the effect of missense changes on protein structure and function output the following: SIFT: "Not Available"; PolyPhen-2: "Benign"; Align-GVGD: "Not Available". The valine amino acid residue is found in multiple mammalian species, which suggests that this missense change does not adversely affect protein function. In summary, the available evidence is currently insufficient to determine the role of this variant in disease. Therefore, it has been classified as a Variant of Uncertain Significance.

NM_001211.6(BUB1B):c.2233A>G (p.Ile745Val)

Gene: BUB1B (BUB1 mitotic checkpoint serine/threonine kinase B; plus strand). Cytogenetic location: 15q15.1.
Variant type: single nucleotide variant.
Coding change: c.2233A>G on transcript NM_001211.6 (MANE Select); coding-DNA position 2233, A replaced by G.
Protein change: p.Ile745Val; replaces isoleucine 745 with valine.
Molecular consequence: missense variant.
Genome position (GRCh38, 1-based): chr15:40,209,724, A>G. VCF-style: chr15-40209724-A-G. GRCh37 (hg19) VCF-style: chr15-40501925-A-G.
Other names: short protein forms I745V.
Identifiers: ClinVar variation 937883 (VCV000937883.14), dbSNP rs763676435, ClinGen allele CA7475990.